The following is an entry in ClinVar:

ClinVar aggregate classification (germline): Uncertain significance (1 of 4 stars; one submission).

Conditions:
POLD1-related polyposis and colorectal cancer syndrome (CRCS10). Also called: Colorectal cancer 10; COLORECTAL CANCER, SUSCEPTIBILITY TO, ON CHROMOSOME 19q; Colorectal cancer, susceptibility to, 10. Identifiers: Orphanet 220460, MedGen C2675481, MONDO:0012953, OMIM 612591.

gnomAD v4.1: 5 of 1,606,094 alleles (0.00031%); highest among the groups gnomAD compares: Non-Finnish European, 0.00042%; no homozygotes.

Submission:

Labcorp Genetics (formerly Invitae), Labcorp
Classification: Uncertain significance for POLD1-related polyposis and colorectal cancer syndrome. Last evaluated: 2025-08-21. Review status: criteria provided, single submitter. Criteria: Invitae Variant Classification Sherloc (09022015). Collection method: clinical testing. Allele origin: germline.
Comment: This sequence change replaces arginine, which is basic and polar, with glycine, which is neutral and non-polar, at codon 1053 of the POLD1 protein (p.Arg1053Gly). The frequency data for this variant in the population databases is considered unreliable, as metrics indicate poor data quality at this position in the gnomAD database. This variant has not been reported in the literature in individuals affected with POLD1-related conditions. ClinVar contains an entry for this variant (Variation ID: 860542). Invitae Evidence Modeling of protein sequence and biophysical properties (such as structural, functional, and spatial information, amino acid conservation, physicochemical variation, residue mobility, and thermodynamic stability) indicates that this missense variant is not expected to disrupt POLD1 protein function with a negative predictive value of 80%. In summary, the available evidence is currently insufficient to determine the role of this variant in disease. Therefore, it has been classified as a Variant of Uncertain Significance.

NM_002691.4(POLD1):c.3157C>G (p.Arg1053Gly)

Gene: POLD1 (DNA polymerase delta 1, catalytic subunit; plus strand). Cytogenetic location: 19q13.33.
Variant type: single nucleotide variant.
Coding change: c.3157C>G on transcript NM_002691.4 (MANE Select); coding-DNA position 3157, C replaced by G.
Protein change: p.Arg1053Gly; replaces arginine 1053 with glycine.
Molecular consequence: missense variant. On other transcripts: non-coding transcript variant (1).
Genome position (GRCh38, 1-based): chr19:50,417,208, C>G. VCF-style: chr19-50417208-C-G. GRCh37 (hg19) VCF-style: chr19-50920465-C-G.
Other names: c.3157C>G, p.Arg1053Gly (NM_001256849.1); c.3235C>G, p.Arg1079Gly (NM_001308632.1); short protein forms R1079G, R1053G.
Identifiers: ClinVar variation 860542 (VCV000860542.9), dbSNP rs779208942, ClinGen allele CA406987359.
Genomic context (GRCh38, chr19:50,417,208, plus strand): 5'-CTGCTCAGCCGCTGCCGTCCCCAGGTATCCCATCTGAATGCCCTGGAGGAGCGCTTCTCG[C>G]GCCTCTGGACGCAGTGCCAGCGCTGCCAGGGCAGCCTGCACGAGGACGTCATCTGCACCA-3'
Protein context (NP_002682.2, residues 1043-1063): HLNALEERFS[Arg1053Gly]LWTQCQRCQG